The following is an entry in ClinVar:

ClinVar aggregate classification (germline): Uncertain significance. Review status: criteria provided, multiple submitters, no conflicts (2 of 4 stars). 3 submissions from 3 submitters: Uncertain significance (3). Last evaluated 2024-03-06.

Conditions:
Familial thoracic aortic aneurysm and aortic dissection (TAAD). Also called: Thoracic aortic aneurysms and dissections. Identifiers: Orphanet 91387, MedGen C4707243, MONDO:0019625.
Aortic aneurysm, familial thoracic 4 (AAT4). Also called: AORTIC ANEURYSM/AORTIC DISSECTION AND PATENT DUCTUS ARTERIOSUS. Identifiers: MedGen C1851504, MONDO:0007568, OMIM 132900.

Allele frequency attached by ClinVar (database versions not stated): TOPMed 0.00001.

Submissions (3):

Color Diagnostics, LLC DBA Color Health
Classification: Uncertain significance for Familial thoracic aortic aneurysm and aortic dissection. Last evaluated: 2024-03-06. Review status: criteria provided, single submitter. Criteria: ACMG Guidelines, 2015. Collection method: clinical testing. Allele origin: germline.
Comment: This missense variant replaces glutamic acid with aspartic acid at codon 98 of the MYH11 protein. Computational prediction suggests that this variant may have deleterious impact on protein structure and function (internally defined REVEL score threshold >= 0.7, PMID: 27666373). To our knowledge, functional studies have not been reported for this variant. This variant has not been reported in individuals affected with MYH11-related disorders in the literature. This variant has not been identified in the general population by the Genome Aggregation Database (gnomAD). The available evidence is insufficient to determine the role of this variant in disease conclusively. Therefore, this variant is classified as a Variant of Uncertain Significance.

All of Us Research Program, National Institutes of Health
Classification: Uncertain significance for Familial thoracic aortic aneurysm and aortic dissection. Last evaluated: 2023-06-26. Review status: criteria provided, single submitter. Criteria: ACMG Guidelines, 2015. Collection method: clinical testing. Allele origin: germline. Inheritance: Autosomal dominant inheritance. Observed: 1 variant allele, 1 heterozygote.
Comment: This missense variant replaces glutamic acid with aspartic acid at codon 98 of the MYH11 protein. Computational prediction suggests that this variant may have deleterious impact on protein structure and function (internally defined REVEL score threshold >= 0.7, PMID: 27666373). To our knowledge, functional studies have not been reported for this variant. This variant has not been reported in individuals affected with MYH11-related disorders in the literature. This variant has not been identified in the general population by the Genome Aggregation Database (gnomAD). The available evidence is insufficient to determine the role of this variant in disease conclusively. Therefore, this variant is classified as a Variant of Uncertain Significance.

This study involves interpretation of variants in research participants for the purpose of population health screening. Participant phenotype was not available at the time of variant classification. Additional details can be found in publication PMID: 35346344, PMCID: PMC8962531

Genomic Diagnostic Laboratory, Division of Genomic Diagnostics, Children's Hospital of Philadelphia
Classification: Uncertain significance for Aortic aneurysm, familial thoracic 4. Last evaluated: 2015-05-14. Review status: criteria provided, single submitter. Criteria: DGD Variant Analysis Guidelines. Collection method: clinical testing. Allele origin: unknown.

NM_002474.3(MYH11):c.294A>C (p.Glu98Asp)

Gene: MYH11 (myosin heavy chain 11; minus strand). Cytogenetic location: 16p13.11.
Variant type: single nucleotide variant.
Coding change: c.294A>C on transcript NM_002474.3 (MANE Select); coding-DNA position 294, A replaced by C.
Protein change: p.Glu98Asp; replaces glutamic acid 98 with aspartic acid.
Molecular consequence: missense variant.
Genome position (GRCh38, 1-based): chr16:15,837,959, T>G on the plus strand (A>C on the coding strand, the complement: MYH11 is on the minus strand). VCF-style: chr16-15837959-T-G. GRCh37 (hg19) VCF-style: chr16-15931816-T-G.
Other names: c.294A>C, p.Glu98Asp (NM_001040113.2, NM_001040114.2, NM_022844.3); short protein forms E98D.
Identifiers: ClinVar variation 218494 (VCV000218494.6), dbSNP rs864309563, ClinGen allele CA277883.
Genomic context (GRCh38, chr16:15,837,959, plus strand): 5'-AATACTCACATATATTAGCCCTGAGAAGTACCGCTCCCTCAGGTTGTGTAGCACGGAGGC[T>G]TCGTTGAGGCACGTCAGCTCCGCCATGTCCTCCACCTTGGAGAACTTGGGTGGGTTCATC-3'
Protein context (NP_002465.1, residues 88-108): EDMAELTCLN[Glu98Asp]ASVLHNLRER